The following is an entry in ClinVar:

ClinVar aggregate classification (germline): Likely benign (1 of 4 stars; one submission).

Allele frequency attached by ClinVar (database versions not stated): gnomAD exomes below 0.00001; TOPMed below 0.00001; gnomAD 0.00001; ExAC 0.00007.
gnomAD v4.1: 5 of 1,542,474 alleles (0.00032%); highest among the groups gnomAD compares: Admixed American, 0.004%; no homozygotes.

Submission:

CeGaT Center for Human Genetics Tuebingen
Classification: Likely benign. Last evaluated: 2022-08-01. Review status: criteria provided, single submitter. Criteria: CeGaT Center For Human Genetics Tuebingen Variant Classification Criteria Version 2. Collection method: clinical testing. Allele origin: germline. Affected: yes. Observed: 1 variant allele.
Comment: CUX2: BP4, BP7

NM_015267.4(CUX2):c.2151G>A (p.Ala717=)

Gene: CUX2 (cut like homeobox 2; plus strand). Cytogenetic location: 12q24.12.
Variant type: single nucleotide variant.
Coding change: c.2151G>A on transcript NM_015267.4 (MANE Select); coding-DNA position 2151, G replaced by A.
Protein change: p.Ala717=; no amino-acid change (alanine 717 retained).
Molecular consequence: synonymous variant.
Genome position (GRCh38, 1-based): chr12:111,320,160, G>A. VCF-style: chr12-111320160-G-A. GRCh37 (hg19) VCF-style: chr12-111757964-G-A.
Other names: c.1965G>A, p.Ala655= (NM_001370598.1).
Identifiers: ClinVar variation 2643299 (VCV002643299.24), dbSNP rs770133219, ClinGen allele CA6788809.
Genomic context (GRCh38, chr12:111,320,160, plus strand): 5'-GGAGCAGGCACGCCGTGAGATGCAGGCGCAACAGCAGGCGCTGCTGGAGATGGAGGTGGC[G>A]CCCAGGGGCCGCTCGGTGCCCCCCTCGCCCCCGGAGCGGCCATCACTGGCCACCGCGAGC-3'
Protein context (NP_056082.2, residues 707-727): QQQALLEMEV[Ala717=]PRGRSVPPSP